The following is an entry in ClinVar:

NM_177438.3(DICER1):c.5254T>G (p.Tyr1752Asp)

Gene: DICER1 (dicer 1, ribonuclease III; minus strand). Cytogenetic location: 14q32.13.
Variant type: single nucleotide variant.
Coding change: c.5254T>G on transcript NM_177438.3 (MANE Select); coding-DNA position 5254, T replaced by G.
Protein change: p.Tyr1752Asp; replaces tyrosine 1752 with aspartic acid.
Molecular consequence: missense variant. On other transcripts: non-coding transcript variant (6).
Genome position (GRCh38, 1-based): chr14:95,093,998, A>C on the plus strand (T>G on the coding strand, the complement: DICER1 is on the minus strand). VCF-style: chr14-95093998-A-C. GRCh37 (hg19) VCF-style: chr14-95560335-A-C.
Other names: c.5254T>G, p.Tyr1752Asp (NM_001291628.2, NM_001395677.1, NM_001395678.1 and 8 more transcripts); c.4972T>G, p.Tyr1658Asp (NM_001395686.1); c.4849T>G, p.Tyr1617Asp (NM_001395687.1, NM_001395688.1, NM_001395689.1 and 1 more transcripts); c.4687T>G, p.Tyr1563Asp (NM_001395691.1); c.3571T>G, p.Tyr1191Asp (NM_001395697.1); short protein forms Y1191D, Y1563D, Y1617D, Y1658D, Y1752D.
Identifiers: ClinVar variation 4869761 (VCV004869761.1).
Genomic context (GRCh38, chr14:95,093,998, plus strand): 5'-AGTCATCAATGACATGGAAGAGCTCAGGAGAGACAGCTTTGAAGTACTTGTGGTAGTCGT[A>C]CTTTACAGCCAGCGATGCAAAGATGGTGTTGTTGACCAGGGCAGACCGCAGGTCTGTCAG-3'
Protein context (NP_803187.1, residues 1742-1762): NTIFASLAVK[Tyr1752Asp]DYHKYFKAVS

ClinVar aggregate classification (germline): Uncertain significance (1 of 4 stars; one submission).

Conditions:
Hereditary cancer-predisposing syndrome. Also called: Neoplastic Syndromes, Hereditary; Tumor predisposition; Hereditary Cancer Syndrome; Hereditary neoplastic syndrome. Identifiers: Orphanet 140162, MedGen C0027672, MeSH D009386, MONDO:0015356.

Submission:

Ambry Genetics
Classification: Uncertain significance for Hereditary cancer-predisposing syndrome. Last evaluated: 2026-04-12. Review status: criteria provided, single submitter. Criteria: Ambry Variant Classification Scheme 2023. Collection method: clinical testing. Allele origin: germline.
Comment: The p.Y1752D variant (also known as c.5254T>G), located in coding exon 23 of the DICER1 gene, results from a T to G substitution at nucleotide position 5254. The tyrosine at codon 1752 is replaced by aspartic acid, an amino acid with highly dissimilar properties. This amino acid position is conserved. In addition, this alteration is predicted to be deleterious by in silico analysis. Based on the available evidence, the clinical significance of this variant remains unclear.